The following is an entry in ClinVar:

NM_000507.4(FBP1):c.567G>C (p.Pro189=)

Gene: FBP1 (fructose-bisphosphatase 1; minus strand). Cytogenetic location: 9q22.32.
Variant type: single nucleotide variant.
Coding change: c.567G>C on transcript NM_000507.4 (MANE Select); coding-DNA position 567, G replaced by C.
Protein change: p.Pro189=; no amino-acid change (proline 189 retained).
Molecular consequence: synonymous variant.
Genome position (GRCh38, 1-based): chr9:94,609,921, C>G on the plus strand (G>C on the coding strand, the complement: FBP1 is on the minus strand). VCF-style: chr9-94609921-C-G. GRCh37 (hg19) VCF-style: chr9-97372203-C-G.
Other names: c.567G>C, p.Pro189= (NM_001127628.2).
Identifiers: ClinVar variation 4848717 (VCV004848717.1).

ClinVar aggregate classification (germline): Uncertain significance (1 of 4 stars; one submission).

gnomAD v4.1: 2 of 1,614,046 alleles (0.00012%); highest among the groups gnomAD compares: East Asian, 0.0045%; no homozygotes.

Submission:

Women's Health and Genetics/Laboratory Corporation of America, LabCorp
Classification: Uncertain significance. Last evaluated: 2026-04-09. Review status: criteria provided, single submitter. Criteria: LabCorp Variant Classification Summary - May 2015. Collection method: clinical testing. Allele origin: germline.
Comment: Variant summary: FBP1 c.567G>C (p.Pro189Pro) alters a conserved nucleotide located close to a canonical splice site and therefore could affect mRNA splicing, leading to a significantly altered protein sequence. Several computational tools predict a significant impact on normal splicing: Two predict the variant abolishes a 5' splicing donor site. Two predict the variant weakens a 5' donor site. However, these predictions have yet to be confirmed by functional studies. The variant was absent in 249114 control chromosomes (gnomAD). The available data on variant occurrences in the general population are insufficient to allow any conclusion about variant significance. To our knowledge, no occurrence of c.567G>C in individuals affected with FBP1-related conditions and no experimental evidence demonstrating its impact on protein function have been reported. No submitters have cited clinical-significance assessments for this variant to ClinVar. Based on the evidence outlined above, the variant was classified as uncertain significance.